The following is an entry in ClinVar:

ClinVar aggregate classification (germline): Uncertain significance. Review status: criteria provided, multiple submitters, no conflicts (2 of 4 stars). 2 submissions from 2 submitters: Uncertain significance (2). Last evaluated 2024-12-03.

Conditions:
Brugada syndrome. Also called: Sudden unexplained nocturnal death syndrome; Sudden Unexplained Death Syndrome; Sudden Unexplained Nocturnal Death Syndrome (SUNDS); Sudden unexpected nocturnal death syndrome. Identifiers: Orphanet 130, MedGen C1142166, MONDO:0015263.
Cardiovascular phenotype. Identifiers: MedGen CN230736.

Allele frequency attached by ClinVar (database versions not stated): gnomAD exomes below 0.00001.

Submissions (2):

Labcorp Genetics (formerly Invitae), Labcorp
Classification: Uncertain significance for Brugada syndrome. Last evaluated: 2024-12-03. Review status: criteria provided, single submitter. Criteria: Invitae Variant Classification Sherloc (09022015). Collection method: clinical testing. Allele origin: germline.
Comment: This sequence change replaces threonine, which is neutral and polar, with isoleucine, which is neutral and non-polar, at codon 1520 of the SCN10A protein (p.Thr1520Ile). This variant is not present in population databases (gnomAD no frequency). This variant has not been reported in the literature in individuals affected with SCN10A-related conditions. ClinVar contains an entry for this variant (Variation ID: 3225665). Invitae Evidence Modeling of protein sequence and biophysical properties (such as structural, functional, and spatial information, amino acid conservation, physicochemical variation, residue mobility, and thermodynamic stability) indicates that this missense variant is not expected to disrupt SCN10A protein function with a negative predictive value of 80%. In summary, the available evidence is currently insufficient to determine the role of this variant in disease. Therefore, it has been classified as a Variant of Uncertain Significance.

Ambry Genetics
Classification: Uncertain significance for Cardiovascular phenotype. Last evaluated: 2023-11-23. Review status: criteria provided, single submitter. Criteria: Ambry Variant Classification Scheme 2023. Collection method: clinical testing. Allele origin: germline.
Comment: The p.T1520I variant (also known as c.4559C>T), located in coding exon 26 of the SCN10A gene, results from a C to T substitution at nucleotide position 4559. The threonine at codon 1520 is replaced by isoleucine, an amino acid with similar properties. This amino acid position is conserved. In addition, this alteration is predicted to be deleterious by in silico analysis. Since supporting evidence is limited at this time, the clinical significance of this alteration remains unclear.

NM_006514.4(SCN10A):c.4559C>T (p.Thr1520Ile)

Gene: SCN10A (sodium voltage-gated channel alpha subunit 10; minus strand). Cytogenetic location: 3p22.2.
Variant type: single nucleotide variant.
Coding change: c.4559C>T on transcript NM_006514.4 (MANE Select); coding-DNA position 4559, C replaced by T.
Protein change: p.Thr1520Ile; replaces threonine 1520 with isoleucine.
Molecular consequence: missense variant.
Genome position (GRCh38, 1-based): chr3:38,701,937, G>A on the plus strand (C>T on the coding strand, the complement: SCN10A is on the minus strand). VCF-style: chr3-38701937-G-A. GRCh37 (hg19) VCF-style: chr3-38743428-G-A.
Other names: c.4556C>T, p.Thr1519Ile (NM_001293306.2); c.4265C>T, p.Thr1422Ile (NM_001293307.2); short protein forms T1422I, T1519I, T1520I.
Identifiers: ClinVar variation 3225665 (VCV003225665.3), dbSNP rs2063160603, ClinGen allele CA352146078.